The following is an entry in ClinVar:

NM_024649.5(BBS1):c.446C>T (p.Pro149Leu)

Gene: BBS1 (Bardet-Biedl syndrome 1; plus strand). Cytogenetic location: 11q13.2.
Variant type: single nucleotide variant.
Coding change: c.446C>T on transcript NM_024649.5 (MANE Select); coding-DNA position 446, C replaced by T.
Protein change: p.Pro149Leu; replaces proline 149 with leucine.
Molecular consequence: missense variant.
Genome position (GRCh38, 1-based): chr11:66,515,553, C>T. VCF-style: chr11-66515553-C-T. GRCh37 (hg19) VCF-style: chr11-66283024-C-T.
Other names: short protein forms P149L.
Identifiers: ClinVar variation 1003389 (VCV001003389.6), dbSNP rs1486897768, ClinGen allele CA381457314.

ClinVar aggregate classification (germline): Uncertain significance (1 of 4 stars; one submission).

Conditions:
Bardet-Biedl syndrome (BBS). Identifiers: Orphanet 110, MedGen C0752166, MONDO:0015229.

Allele frequency attached by ClinVar (database versions not stated): TOPMed below 0.00001.

Submission:

Labcorp Genetics (formerly Invitae), Labcorp
Classification: Uncertain significance for Bardet-Biedl syndrome. Last evaluated: 2021-08-26. Review status: criteria provided, single submitter. Criteria: Invitae Variant Classification Sherloc (09022015). Collection method: clinical testing. Allele origin: germline.
Comment: This sequence change replaces proline with leucine at codon 149 of the BBS1 protein (p.Pro149Leu). The proline residue is highly conserved and there is a moderate physicochemical difference between proline and leucine. This variant is not present in population databases (ExAC no frequency). This variant has not been reported in the literature in individuals affected with BBS1-related conditions. Algorithms developed to predict the effect of missense changes on protein structure and function are either unavailable or do not agree on the potential impact of this missense change (SIFT: "Tolerated"; PolyPhen-2: "Benign"; Align-GVGD: "Class C25"). In summary, the available evidence is currently insufficient to determine the role of this variant in disease. Therefore, it has been classified as a Variant of Uncertain Significance.